The following is an entry in ClinVar:

NM_001134407.3(GRIN2A):c.968A>G (p.Gln323Arg)

Gene: GRIN2A (glutamate ionotropic receptor NMDA type subunit 2A; minus strand). Cytogenetic location: 16p13.2.
Variant type: single nucleotide variant.
Coding change: c.968A>G on transcript NM_001134407.3 (MANE Select); coding-DNA position 968, A replaced by G.
Protein change: p.Gln323Arg; replaces glutamine 323 with arginine.
Molecular consequence: missense variant.
Genome position (GRCh38, 1-based): chr16:9,937,998, T>C on the plus strand (A>G on the coding strand, the complement: GRIN2A is on the minus strand). VCF-style: chr16-9937998-T-C. GRCh37 (hg19) VCF-style: chr16-10031855-T-C.
Other names: c.968A>G, p.Gln323Arg (NM_000833.5, NM_001134408.2); short protein forms Q323R.
Identifiers: ClinVar variation 837314 (VCV000837314.9), dbSNP rs2044755009, ClinGen allele CA394798111.

ClinVar aggregate classification (germline): Uncertain significance (1 of 4 stars; one submission).

Conditions:
Landau-Kleffner syndrome (FESD). Also called: APHASIA, ACQUIRED, WITH EPILEPSY; EPILEPSY, FOCAL, WITH SPEECH DISORDER AND WITH OR WITHOUT MENTAL RETARDATION. Identifiers: Orphanet 1945, Orphanet 725, Orphanet 98818, MedGen C0282512, MONDO:0009509, OMIM 245570.

Submission:

Labcorp Genetics (formerly Invitae), Labcorp
Classification: Uncertain significance for Landau-Kleffner syndrome. Last evaluated: 2021-07-13. Review status: criteria provided, single submitter. Criteria: Invitae Variant Classification Sherloc (09022015). Collection method: clinical testing. Allele origin: germline.
Comment: This variant has not been reported in the literature in individuals with GRIN2A-related conditions. ClinVar contains an entry for this variant (Variation ID: 837314). In summary, the available evidence is currently insufficient to determine the role of this variant in disease. Therefore, it has been classified as a Variant of Uncertain Significance. Advanced modeling of protein sequence and biophysical properties (such as structural, functional, and spatial information, amino acid conservation, physicochemical variation, residue mobility, and thermodynamic stability) performed at Invitae indicates that this missense variant is not expected to disrupt GRIN2A protein function. This variant is not present in population databases (ExAC no frequency). This sequence change replaces glutamine with arginine at codon 323 of the GRIN2A protein (p.Gln323Arg). The glutamine residue is highly conserved and there is a small physicochemical difference between glutamine and arginine.